The following is an entry in ClinVar:

ClinVar aggregate classification (germline): Uncertain significance (1 of 4 stars; one submission).

Conditions:
Leukoencephalopathy, progressive, infantile-onset, with or without deafness. Identifiers: MedGen C5542996, MONDO:0030893, OMIM 619147.

Submission:

Neuberg Centre For Genomic Medicine, NCGM
Classification: Uncertain significance for Leukoencephalopathy, progressive, infantile-onset, with or without deafness. Review status: criteria provided, single submitter. Criteria: ACMG Guidelines, 2015. Collection method: clinical testing. Allele origin: germline. Inheritance: Autosomal recessive inheritance. Affected: yes.
Comment: The missense c.1486T>Ap.Cys496Ser variant in KARS1 gene has not been reported previously as a pathogenic variant nor a benign variant, to our knowledge. The p.Cys496Ser variant is novel not in any individuals in gnomAD Exomes and 1000 Genomes. This variant has not been reported to the ClinVar database. The amino acid change p.Cys496Ser in KARS1 is predicted as conserved by GERP++ and PhyloP across 100 vertebrates. The amino acid Cys at position 496 is changed to a Ser changing protein sequence and it might alter its composition and physico-chemical properties. For these reasons, this variant has been classified as a Variant of Uncertain Significance VUS.

NM_005548.3(KARS1):c.1486T>A (p.Cys496Ser)

Genes: KARS1 (lysyl-tRNA synthetase 1; minus strand), LOC126862402 (CDK7 strongly-dependent group 2 enhancer GRCh37_chr16:75663368-75664567; plus strand). Cytogenetic location: 16q23.1.
Variant type: single nucleotide variant.
Coding change: c.1486T>A on transcript NM_005548.3 (MANE Select); coding-DNA position 1486, T replaced by A.
Protein change: p.Cys496Ser; replaces cysteine 496 with serine.
Molecular consequence: missense variant.
Genome position (GRCh38, 1-based): chr16:75,629,480, A>T on the plus strand (T>A on the coding strand, the complement: KARS1 is on the minus strand). VCF-style: chr16-75629480-A-T. GRCh37 (hg19) VCF-style: chr16-75663378-A-T.
Other names: c.1570T>A, p.Cys524Ser (NM_001130089.2); c.1018T>A, p.Cys340Ser (NM_001378148.1); short protein forms C340S, C496S, C524S.
Identifiers: ClinVar variation 3234876 (VCV003234876.1), dbSNP rs776736207, ClinGen allele CA396810742.